The following is an entry in ClinVar:

NM_001134665.3(TRMT10A):c.127C>T (p.Arg43Ter)

Gene: TRMT10A (tRNA methyltransferase 10A; minus strand). Cytogenetic location: 4q23.
Variant type: single nucleotide variant.
Coding change: c.127C>T on transcript NM_001134665.3 (MANE Select); coding-DNA position 127, C replaced by T.
Protein change: p.Arg43Ter; replaces arginine 43 with a stop codon.
Molecular consequence: nonsense.
Genome position (GRCh38, 1-based): chr4:99,559,212, G>A on the plus strand (C>T on the coding strand, the complement: TRMT10A is on the minus strand). VCF-style: chr4-99559212-G-A. GRCh37 (hg19) VCF-style: chr4-100480369-G-A.
Other names: c.127C>T, p.Arg43Ter (NM_001134666.3, NM_001375880.1, NM_001375881.1 and 2 more transcripts); short protein forms R43*.
Identifiers: ClinVar variation 3343876 (VCV003343876.3).

ClinVar aggregate classification (germline): Pathogenic/Likely pathogenic. Review status: criteria provided, multiple submitters, no conflicts (2 of 4 stars). 2 submissions from 2 submitters: Pathogenic (1); Likely pathogenic (1). Last evaluated 2024-12-04.

gnomAD v4.1: 21 of 1,613,136 alleles (0.0013%); highest among the groups gnomAD compares: Admixed American, 0.01%; no homozygotes.

Submissions (2):

Labcorp Genetics (formerly Invitae), Labcorp
Classification: Pathogenic. Last evaluated: 2024-12-04. Review status: criteria provided, single submitter. Criteria: Invitae Variant Classification Sherloc (09022015). Collection method: clinical testing. Allele origin: germline.
Comment: This sequence change creates a premature translational stop signal (p.Arg43*) in the TRMT10A gene. It is expected to result in an absent or disrupted protein product. Loss-of-function variants in TRMT10A are known to be pathogenic (PMID: 24204302, 26535115). This variant is present in population databases (rs777454029, gnomAD 0.01%). This premature translational stop signal has been observed in individual(s) with diabetes (PMID: 33046911). For these reasons, this variant has been classified as Pathogenic.

GeneDx
Classification: Likely pathogenic. Last evaluated: 2023-06-15. Review status: criteria provided, single submitter. Criteria: GeneDx Variant Classification Process June 2021. Collection method: clinical testing. Allele origin: germline. Affected: yes.
Comment: Nonsense variant predicted to result in protein truncation or nonsense mediated decay in a gene for which loss of function is a known mechanism of disease; Identified in a cohort of patients with diabetes, but additional clinical information was not provided (Bonnefond et al., 2020); This variant is associated with the following publications: (PMID: 33046911)

Literature cited by the submitters: PubMed 24204302 (cited by Labcorp Genetics (formerly Invitae), Labcorp); PubMed 26535115 (cited by Labcorp Genetics (formerly Invitae), Labcorp); PubMed 33046911 (cited by Labcorp Genetics (formerly Invitae), Labcorp).